The following is an entry in ClinVar:

NM_017636.4(TRPM4):c.2794TTCTTCCTC[3] (p.Leu937_Gly938insPhePheLeu)

Gene: TRPM4 (transient receptor potential cation channel subfamily M member 4; plus strand). Cytogenetic location: 19q13.33.
Variant type: Microsatellite.
Coding change: c.2794TTCTTCCTC[3] on transcript NM_017636.4 (MANE Select); three copies in a row of the 9-base unit TTCTTCCTC starting at c.2794; the reference has two copies in a row; one copy, 9 bases duplicated.
Protein change: p.Leu937_Gly938insPhePheLeu.
Molecular consequence: inframe insertion.
Genome position (GRCh38, 1-based): chr19:49,200,635-49,200,643, TTCTTCCTC duplicated; duplicating any 9 consecutive bases within chr19:49,200,624-49,200,643 gives the same sequence; the position shown is the placement nearest the transcript's 3' end. VCF-style (leftmost placement, unchanged base first): chr19-49200623-T-TTCTTCTTCC. GRCh37 (hg19) VCF-style: chr19-49703880-T-TTCTTCTTCC.
Other names: c.2359TTCTTCCTC[3], p.Leu792_Gly793insPhePheLeu (NM_001195227.2); c.2449TTCTTCCTC[3], p.Leu822_Gly823insPhePheLeu (NM_001321281.2); c.1186TTCTTCCTC[3], p.Leu401_Gly402insPhePheLeu (NM_001321282.2); c.2272TTCTTCCTC[3], p.Leu763_Gly764insPhePheLeu (NM_001321283.2); c.1732TTCTTCCTC[3], p.Leu583_Gly584insPhePheLeu (NM_001321285.2).
Identifiers: ClinVar variation 3329245 (VCV003329245.1).
Genomic context (GRCh38, chr19:49,200,623, plus strand): 5'-GCCAGAGTAGGAAAGGGCGGGGCCAGACTCAGCCACATCTCCCCACAGATGAAGGACGTG[T>TTCTTCTTCC]TCTTCTTCCTCTTCTTCCTCGGCGTGTGGCTGGTAGCCTATGGCGTGGCCACGGAGGGGC-3'

ClinVar aggregate classification (germline): Uncertain significance (1 of 4 stars; one submission).

Conditions:
Cardiovascular phenotype. Identifiers: MedGen CN230736.

Submission:

Ambry Genetics
Classification: Uncertain significance for Cardiovascular phenotype. Last evaluated: 2024-05-23. Review status: criteria provided, single submitter. Criteria: Ambry Variant Classification Scheme 2023. Collection method: clinical testing. Allele origin: germline.
Comment: The c.2803_2811dupTTCTTCCTC variant (also known as p.F935_L937dup), located in coding exon 19 of the TRPM4 gene, results from an in-frame duplication of TTCTTCCTC at nucleotide positions 2803 to 2811. This results in the duplication of 3 extra residues (FFL) between codons 935 and 937. This amino acid region ranges from highly conserved to well conserved in available vertebrate species. In addition, this alteration is predicted to be deleterious by in silico analysis (Choi Y et al. PLoS ONE. 2012; 7(10):e46688). Based on the available evidence, the clinical significance of this variant remains unclear.